The following is an entry in ClinVar:

ClinVar aggregate classification (germline): Uncertain significance (1 of 4 stars; one submission).

Conditions:
Alstrom syndrome (ALMS). Identifiers: Orphanet 64, MedGen C0268425, MONDO:0008763, OMIM 203800.

Allele frequency attached by ClinVar (database versions not stated): ExAC 0.00001; gnomAD exomes below 0.00001; TOPMed below 0.00001.
gnomAD v4.1: 1 of 1,614,216 alleles (0.000062%); highest among the groups gnomAD compares: Admixed American, 0.0017%; no homozygotes.

Submission:

Labcorp Genetics (formerly Invitae), Labcorp
Classification: Uncertain significance for Alstrom syndrome. Last evaluated: 2022-07-12. Review status: criteria provided, single submitter. Criteria: Invitae Variant Classification Sherloc (09022015). Collection method: clinical testing. Allele origin: germline.
Comment: In summary, the available evidence is currently insufficient to determine the role of this variant in disease. Therefore, it has been classified as a Variant of Uncertain Significance. Experimental studies and prediction algorithms are not available or were not evaluated, and the functional significance of this variant is currently unknown. This variant has not been reported in the literature in individuals affected with ALMS1-related conditions. This variant is present in population databases (rs767828663, gnomAD 0.003%). This sequence change replaces lysine, which is basic and polar, with threonine, which is neutral and polar, at codon 2998 of the ALMS1 protein (p.Lys2998Thr).

NM_001378454.1(ALMS1):c.8990A>C (p.Lys2997Thr)

Gene: ALMS1 (ALMS1 centrosome and basal body associated protein; plus strand). Cytogenetic location: 2p13.1.
Variant type: single nucleotide variant.
Coding change: c.8990A>C on transcript NM_001378454.1 (MANE Select); coding-DNA position 8990, A replaced by C.
Protein change: p.Lys2997Thr; replaces lysine 2997 with threonine.
Molecular consequence: missense variant.
Genome position (GRCh38, 1-based): chr2:73,490,949, A>C. VCF-style: chr2-73490949-A-C. GRCh37 (hg19) VCF-style: chr2-73718076-A-C.
Other names: c.8993A>C, p.Lys2998Thr (NM_015120.4); short protein forms K2997T, K2998T.
Identifiers: ClinVar variation 2413557 (VCV002413557.4), dbSNP rs767828663, ClinGen allele CA1714578.